The following is an entry in ClinVar:

ClinVar aggregate classification (germline): Uncertain significance (1 of 4 stars; one submission).

Conditions:
Inborn genetic diseases. Identifiers: MedGen C0950123, MeSH D030342.

Submission:

Ambry Genetics
Classification: Uncertain significance for Inborn genetic diseases. Last evaluated: 2025-03-03. Review status: criteria provided, single submitter. Criteria: Ambry Variant Classification Scheme 2023. Collection method: clinical testing. Allele origin: germline.
Comment: The p.E999K variant (also known as c.2995G>A), located in coding exon 1 of the SAMD9L gene, results from a G to A substitution at nucleotide position 2995. The glutamic acid at codon 999 is replaced by lysine, an amino acid with similar properties. This amino acid position is conserved. In addition, this alteration is predicted to be tolerated by in silico analysis. Based on the available evidence, the clinical significance of this variant remains unclear.

NM_152703.5(SAMD9L):c.2995G>A (p.Glu999Lys)

Gene: SAMD9L (sterile alpha motif domain containing 9 like; minus strand). Cytogenetic location: 7q21.2.
Variant type: single nucleotide variant.
Coding change: c.2995G>A on transcript NM_152703.5 (MANE Select); coding-DNA position 2995, G replaced by A.
Protein change: p.Glu999Lys; replaces glutamic acid 999 with lysine.
Molecular consequence: missense variant.
Genome position (GRCh38, 1-based): chr7:93,132,977, C>T on the plus strand (G>A on the coding strand, the complement: SAMD9L is on the minus strand). VCF-style: chr7-93132977-C-T. GRCh37 (hg19) VCF-style: chr7-92762290-C-T.
Other names: c.2995G>A, p.Glu999Lys (NM_001303496.3, NM_001303497.3, NM_001303498.3 and 5 more transcripts); short protein forms E999K.
Identifiers: ClinVar variation 3792483 (VCV003792483.1), dbSNP rs267601635.